The following is an entry in ClinVar:

NM_000400.4(ERCC2):c.1300C>T (p.His434Tyr)

Gene: ERCC2 (ERCC excision repair 2, TFIIH core complex helicase subunit; minus strand). Cytogenetic location: 19q13.32.
Variant type: single nucleotide variant.
Coding change: c.1300C>T on transcript NM_000400.4 (MANE Select); coding-DNA position 1300, C replaced by T.
Protein change: p.His434Tyr; replaces histidine 434 with tyrosine.
Molecular consequence: missense variant.
Genome position (GRCh38, 1-based): chr19:45,357,637, G>A on the plus strand (C>T on the coding strand, the complement: ERCC2 is on the minus strand). VCF-style: chr19-45357637-G-A. GRCh37 (hg19) VCF-style: chr19-45860895-G-A.
Other names: short protein forms H434Y.
Identifiers: ClinVar variation 1769398 (VCV001769398.4), dbSNP rs1443559001, ClinGen allele CA406367926.

ClinVar aggregate classification (germline): Uncertain significance (1 of 4 stars; one submission).

Conditions:
Inborn genetic diseases. Identifiers: MedGen C0950123, MeSH D030342.

Allele frequency attached by ClinVar (database versions not stated): gnomAD exomes below 0.00001; TOPMed below 0.00001; gnomAD 0.00001.

Submission:

Ambry Genetics
Classification: Uncertain significance for Inborn genetic diseases. Last evaluated: 2024-05-19. Review status: criteria provided, single submitter. Criteria: Ambry Variant Classification Scheme 2023. Collection method: clinical testing. Allele origin: germline.
Comment: The p.H434Y variant (also known as c.1300C>T), located in coding exon 13 of the ERCC2 gene, results from a C to T substitution at nucleotide position 1300. The histidine at codon 434 is replaced by tyrosine, an amino acid with similar properties. This amino acid position is conserved. In addition, the in silico prediction for this alteration is inconclusive. Since supporting evidence is limited at this time, the clinical significance of this alteration remains unclear.